The following is an entry in ClinVar:

NM_001163435.3(TBCK):c.121C>T (p.Arg41Cys)

Gene: TBCK (TBC1 domain containing kinase; minus strand). Cytogenetic location: 4q24.
Variant type: single nucleotide variant.
Coding change: c.121C>T on transcript NM_001163435.3 (MANE Select); coding-DNA position 121, C replaced by T.
Protein change: p.Arg41Cys; replaces arginine 41 with cysteine.
Molecular consequence: missense variant. On other transcripts: 5 prime UTR variant (1).
Genome position (GRCh38, 1-based): chr4:106,308,840, G>A on the plus strand (C>T on the coding strand, the complement: TBCK is on the minus strand). VCF-style: chr4-106308840-G-A. GRCh37 (hg19) VCF-style: chr4-107229997-G-A.
Other names: c.121C>T, p.Arg41Cys (NM_001163436.4, NM_001163437.3, NM_033115.5); c.-497C>T (NM_001290768.2); c.121C>T (NM_001163435.1); short protein forms R41C.
Identifiers: ClinVar variation 2188009 (VCV002188009.3), dbSNP rs750999870, ClinGen allele CA3035538.
Genomic context (GRCh38, chr4:106,308,840, plus strand): 5'-TAGAAATATCCACATACTGGCAGAGTCTGGGATGGGTGATGGTTTTAAGGATTTGAAAGC[G>A]CCCTAAAATTTTGATGGAATTTGGTGTGAGAGGAAGTCCATTGCTTCCACAAACATCATG-3'
Protein context (NP_001156907.2, residues 31-51): LTPNSIKILG[Arg41Cys]FQILKTITHP

ClinVar aggregate classification (germline): Uncertain significance. Review status: criteria provided, multiple submitters, no conflicts (2 of 4 stars). 2 submissions from 2 submitters: Uncertain significance (2). Last evaluated 2025-01-17.

Conditions:
Inborn genetic diseases. Identifiers: MedGen C0950123, MeSH D030342.

Allele frequency attached by ClinVar (database versions not stated): ExAC 0.00001; gnomAD 0.00001.
gnomAD v4.1: 16 of 1,613,994 alleles (0.00099%); highest among the groups gnomAD compares: South Asian, 0.0077%; no homozygotes.

Submissions (2):

Ambry Genetics
Classification: Uncertain significance for Inborn genetic diseases. Last evaluated: 2025-01-17. Review status: criteria provided, single submitter. Criteria: Ambry Variant Classification Scheme 2023. Collection method: clinical testing. Allele origin: germline.

Labcorp Genetics (formerly Invitae), Labcorp
Classification: Uncertain significance. Last evaluated: 2024-10-24. Review status: criteria provided, single submitter. Criteria: Invitae Variant Classification Sherloc (09022015). Collection method: clinical testing. Allele origin: germline.
Comment: This sequence change replaces arginine, which is basic and polar, with cysteine, which is neutral and slightly polar, at codon 41 of the TBCK protein (p.Arg41Cys). This variant is present in population databases (rs750999870, gnomAD 0.007%). This variant has not been reported in the literature in individuals affected with TBCK-related conditions. ClinVar contains an entry for this variant (Variation ID: 2188009). Invitae Evidence Modeling of protein sequence and biophysical properties (such as structural, functional, and spatial information, amino acid conservation, physicochemical variation, residue mobility, and thermodynamic stability) has been performed for this missense variant. However, the output from this modeling did not meet the statistical confidence thresholds required to predict the impact of this variant on TBCK protein function. In summary, the available evidence is currently insufficient to determine the role of this variant in disease. Therefore, it has been classified as a Variant of Uncertain Significance.